The following is an entry in ClinVar:

NM_000199.5(SGSH):c.645C>A (p.Tyr215Ter)

Gene: SGSH (N-sulfoglucosamine sulfohydrolase; minus strand). Cytogenetic location: 17q25.3.
Variant type: single nucleotide variant.
Coding change: c.645C>A on transcript NM_000199.5 (MANE Select); coding-DNA position 645, C replaced by A.
Protein change: p.Tyr215Ter; replaces tyrosine 215 with a stop codon.
Molecular consequence: nonsense. On other transcripts: non-coding transcript variant (1).
Genome position (GRCh38, 1-based): chr17:80,214,190, G>T on the plus strand (C>A on the coding strand, the complement: SGSH is on the minus strand). VCF-style: chr17-80214190-G-T. GRCh37 (hg19) VCF-style: chr17-78187989-G-T.
Other names: c.645C>A, p.Tyr215Ter (NM_001352921.3, NM_001352922.2); short protein forms Y215*.
Identifiers: ClinVar variation 2678716 (VCV002678716.5), dbSNP rs151227799, ClinGen allele CA401361762.
Genomic context (GRCh38, chr17:80,214,190, plus strand): 5'-AGGGCTGACGGGCGTCCTGAAACACAGGAGGGGCCGTCCTACCAGCACGTCCAGTGGGTC[G>T]TAGGCCTGGGGGGTCCAGTCTGGGATACGACCCATGCCGCTCTCTCCGTTGCCAAACTTC-3'

ClinVar aggregate classification (germline): Pathogenic (1 of 4 stars; one submission).

Conditions:
Mucopolysaccharidosis, MPS-III-A (MPS3A). Also called: HEPARAN SULFATE SULFATASE DEFICIENCY; SANFILIPPO SYNDROME A; SULFAMIDASE DEFICIENCY; MPS III A; Mucopolysaccharidosis type IIIA (Sanfilippo A); MUCOPOLYSACCHARIDOSIS, TYPE IIIA, ATTENUATED. Identifiers: Orphanet 581, Orphanet 79269, MedGen C0086647, MONDO:0009655, OMIM 252900.

gnomAD v4.1: 1 of 1,610,824 alleles (0.000062%); highest among the groups gnomAD compares: Admixed American, 0.0017%; no homozygotes.

Submission:

Labcorp Genetics (formerly Invitae), Labcorp
Classification: Pathogenic for Mucopolysaccharidosis, MPS-III-A. Last evaluated: 2023-06-05. Review status: criteria provided, single submitter. Criteria: Invitae Variant Classification Sherloc (09022015). Collection method: clinical testing. Allele origin: germline.
Comment: For these reasons, this variant has been classified as Pathogenic. This variant has not been reported in the literature in individuals affected with SGSH-related conditions. This variant is not present in population databases (gnomAD no frequency). This sequence change creates a premature translational stop signal (p.Tyr215*) in the SGSH gene. It is expected to result in an absent or disrupted protein product. Loss-of-function variants in SGSH are known to be pathogenic (PMID: 11182930, 21204211, 22976768).

Literature cited by the submitters: PubMed 11182930; PubMed 21204211; PubMed 22976768.